The following is an entry in ClinVar:

NM_000465.4(BARD1):c.1765G>A (p.Ala589Thr)

Gene: BARD1 (BRCA1 associated RING domain 1; minus strand). Cytogenetic location: 2q35.
Variant type: single nucleotide variant.
Coding change: c.1765G>A on transcript NM_000465.4 (MANE Select); coding-DNA position 1765, G replaced by A.
Protein change: p.Ala589Thr; replaces alanine 589 with threonine.
Molecular consequence: missense variant. On other transcripts: non-coding transcript variant (3), intron variant (1).
Genome position (GRCh38, 1-based): chr2:214,745,767, C>T on the plus strand (G>A on the coding strand, the complement: BARD1 is on the minus strand). VCF-style: chr2-214745767-C-T. GRCh37 (hg19) VCF-style: chr2-215610491-C-T.
Other names: c.1765G>A (NM_000465.2); c.1708G>A, p.Ala570Thr (NM_001282543.2); c.412G>A, p.Ala138Thr (NM_001282545.2); c.355G>A, p.Ala119Thr (NM_001282548.2); c.365-15259G>A (NM_001282549.2); short protein forms A589T, A119T, A570T, A138T.
Identifiers: ClinVar variation 489660 (VCV000489660.16), dbSNP rs547417612, ClinGen allele CA350452816.

ClinVar aggregate classification (germline): Uncertain significance. Review status: criteria provided, multiple submitters, no conflicts (2 of 4 stars). 3 submissions from 3 submitters: Uncertain significance (3). Last evaluated 2026-07-07.

Conditions:
Familial cancer of breast. Also called: hereditary breast carcinoma; Hereditary breast cancer; BREAST CANCER, FAMILIAL. Identifiers: Orphanet 227535, MedGen C0346153, MONDO:0016419, OMIM 114480. Disease mechanism: loss of function.
Hereditary cancer-predisposing syndrome. Also called: Neoplastic Syndromes, Hereditary; Hereditary neoplastic syndrome; Hereditary Cancer Syndrome; Tumor predisposition. Identifiers: Orphanet 140162, MedGen C0027672, MeSH D009386, MONDO:0015356.

Allele frequency attached by ClinVar (database versions not stated): gnomAD exomes below 0.00001.
gnomAD v4.1: 1 of 1,614,040 alleles (0.000062%); highest among the groups gnomAD compares: African/African-American, 0.0013%; no homozygotes.

Submissions (3):

Ambry Genetics
Classification: Uncertain significance for Hereditary cancer-predisposing syndrome. Last evaluated: 2026-07-07. Review status: criteria provided, single submitter. Criteria: Ambry Variant Classification Scheme 2023. Collection method: clinical testing. Allele origin: germline.
Comment: The p.A589T variant (also known as c.1765G>A), located in coding exon 8 of the BARD1 gene, results from a G to A substitution at nucleotide position 1765. The alanine at codon 589 is replaced by threonine, an amino acid with similar properties. This amino acid position is conserved. In addition, this alteration is predicted to be tolerated by in silico analysis. Based on the available evidence, the clinical significance of this variant remains unclear.

Labcorp Genetics (formerly Invitae), Labcorp
Classification: Uncertain significance for Familial cancer of breast. Last evaluated: 2025-06-18. Review status: criteria provided, single submitter. Criteria: Invitae Variant Classification Sherloc (09022015). Collection method: clinical testing. Allele origin: germline.
Comment: This sequence change replaces alanine, which is neutral and non-polar, with threonine, which is neutral and polar, at codon 589 of the BARD1 protein (p.Ala589Thr). This variant is not present in population databases (gnomAD no frequency). This variant has not been reported in the literature in individuals affected with BARD1-related conditions. ClinVar contains an entry for this variant (Variation ID: 489660). An algorithm developed to predict the effect of missense changes on protein structure and function outputs the following: PolyPhen-2: "Benign". The threonine amino acid residue is found in multiple mammalian species, which suggests that this missense change does not adversely affect protein function. In summary, the available evidence is currently insufficient to determine the role of this variant in disease. Therefore, it has been classified as a Variant of Uncertain Significance.

Color Diagnostics, LLC DBA Color Health
Classification: Uncertain significance for Hereditary cancer-predisposing syndrome. Last evaluated: 2023-12-05. Review status: criteria provided, single submitter. Criteria: ACMG Guidelines, 2015. Collection method: clinical testing. Allele origin: germline.
Comment: This missense variant replaces alanine with threonine at codon 589 of the BARD1 protein. Computational prediction suggests that this variant may not impact protein structure and function (internally defined REVEL score threshold <= 0.5, PMID: 27666373). To our knowledge, functional studies have not been reported for this variant. This variant has not been reported in individuals affected with BARD1-related disorders in the literature. This variant has not been identified in the general population by the Genome Aggregation Database (gnomAD). The available evidence is insufficient to determine the role of this variant in disease conclusively. Therefore, this variant is classified as a Variant of Uncertain Significance.